The following is an entry in ClinVar:

ClinVar aggregate classification (germline): Likely pathogenic. Review status: criteria provided, single submitter (1 of 4 stars). 2 submissions from 2 submitters: Likely pathogenic (1). 1 of the submissions does not count toward it. Last evaluated 2023-05-02.

Conditions:
Nemaline myopathy 2 (NEM2). Also called: Nemaline myopathy 2, autosomal recessive. Identifiers: MedGen C1850569, MONDO:0009725, OMIM 256030.

Submissions (2):

Labcorp Genetics (formerly Invitae), Labcorp
Classification: Likely pathogenic for Nemaline myopathy 2. Last evaluated: 2023-05-02. Review status: criteria provided, single submitter. Criteria: Invitae Variant Classification Sherloc (09022015). Collection method: clinical testing. Allele origin: germline.
Comment: This variant occurs in a region of NEB (Exons 82-105) consisting of three highly homologous 8-exon repeat units (exons 82-89, exons 90-97, exons 98-105). Sequence variants in this region can be detected, but this assay cannot determine which of the three repeat units is affected, and zygosity is often ambiguous. All variants in this region are reported relative to the exon 82-89 repeat. This sequence change affects an acceptor splice site in intron 88 of the NEB gene. It is expected to disrupt RNA splicing. Variants that disrupt the donor or acceptor splice site typically lead to a loss of protein function (PMID: 16199547), and loss-of-function variants in NEB are known to be pathogenic (PMID: 25205138). The frequency data for this variant in the population databases (gnomAD) is considered unreliable due to the presence of homologous sequence, such as pseudogenes or paralogs, in the genome. This variant has not been reported in the literature in individuals affected with NEB-related conditions. ClinVar contains an entry for this variant (Variation ID: 1068350). Algorithms developed to predict the effect of sequence changes on RNA splicing suggest that this variant may disrupt the consensus splice site. In summary, the currently available evidence indicates that the variant is pathogenic, but additional data are needed to prove that conclusively. Therefore, this variant has been classified as Likely Pathogenic.

Natera, Inc.
Classification: Likely pathogenic for Nemaline myopathy type 2. Last evaluated: 2020-06-22. Review status: no assertion criteria provided. Collection method: clinical testing. Allele origin: germline. Not counted in ClinVar's aggregate classification.

Literature cited by the submitters: PubMed 16199547 (cited by Labcorp Genetics (formerly Invitae), Labcorp); PubMed 25205138 (cited by Labcorp Genetics (formerly Invitae), Labcorp).

NM_001164508.2(NEB):c.13477-2A>G

Gene: NEB (nebulin; minus strand). Cytogenetic location: 2q23.3.
Variant type: single nucleotide variant.
Coding change: c.13477-2A>G on transcript NM_001164508.2 (MANE Select); the canonical splice acceptor site of the intron before coding-DNA position 13477, A replaced by G.
Molecular consequence: splice acceptor variant. On other transcripts: intron variant (1).
Genome position (GRCh38, 1-based): chr2:151,600,755, T>C on the plus strand (A>G on the coding strand, the complement: NEB is on the minus strand). VCF-style: chr2-151600755-T-C. GRCh37 (hg19) VCF-style: chr2-152457269-T-C.
Other names: c.11601+9054A>G (NM_004543.5); c.13477-2A>G (NM_001164507.2, NM_001271208.2).
Identifiers: ClinVar variation 1068350 (VCV001068350.15), dbSNP rs2153903681, ClinGen allele CA348769255.
Genomic context (GRCh38, chr2:151,600,755, plus strand): 5'-GCGCTGCGACAGCCAATGTAATGGCCTTTCTGTTTCTCATAAGCAGTTTTGTACAGATAC[T>C]GGTAGATGTGAACAGAAAATAGAAGAGTAATTTTTCCAAACCCACTTTTTCTAGAGAGCC-3'